The following is an entry in ClinVar:

ClinVar aggregate classification (germline): Pathogenic (1 of 4 stars; one submission).

Conditions:
Joubert syndrome. Also called: CEREBELLOPARENCHYMAL DISORDER IV; JOUBERT-BOLTSHAUSER SYNDROME; Familial aplasia of the vermis. Identifiers: Orphanet 475, MedGen C5979921, MONDO:0018772.

Submission:

Labcorp Genetics (formerly Invitae), Labcorp
Classification: Pathogenic for Joubert syndrome. Last evaluated: 2025-06-01. Review status: criteria provided, single submitter. Criteria: Invitae Variant Classification Sherloc (09022015). Collection method: clinical testing. Allele origin: germline.
Comment: This sequence change creates a premature translational stop signal (p.Leu362Alafs*68) in the INPP5E gene. It is expected to result in an absent or disrupted protein product. Loss-of-function variants in INPP5E are known to be pathogenic (PMID: 19668216, 23034536, 23386033, 28125082, 29555955). This variant is not present in population databases (gnomAD no frequency). This variant has not been reported in the literature in individuals affected with INPP5E-related conditions. For these reasons, this variant has been classified as Pathogenic.

Literature cited by the submitters: PubMed 19668216; PubMed 23034536; PubMed 23386033; PubMed 28125082; PubMed 29555955.

NM_019892.6(INPP5E):c.1082dup (p.Leu362fs)

Gene: INPP5E (inositol polyphosphate-5-phosphatase E; minus strand). Cytogenetic location: 9q34.3.
Variant type: Duplication.
Coding change: c.1082dup on transcript NM_019892.6 (MANE Select); coding-DNA position 1082, one base duplicated (T; older notation c.1082dupT).
Protein change: p.Leu362fs; shifts the reading frame from leucine 362.
Molecular consequence: frameshift variant.
Genome position (GRCh38, 1-based): chr9:136,433,232, A duplicated on the plus strand (T on the coding strand, the reverse complement: INPP5E is on the minus strand). VCF-style (leftmost placement, unchanged base first): chr9-136433231-C-CA. GRCh37 (hg19) VCF-style: chr9-139327683-C-CA.
Other names: c.1082dup, p.Leu362fs (NM_001318502.2); short protein forms L362fs.
Identifiers: ClinVar variation 4693474 (VCV004693474.1).